The following is an entry in ClinVar:

NM_018668.5(VPS33B):c.852+5G>A

Gene: VPS33B (VPS33B late endosome and lysosome associated; minus strand). Cytogenetic location: 15q26.1.
Variant type: single nucleotide variant.
Coding change: c.852+5G>A on transcript NM_018668.5 (MANE Select); 5 bases into the intron after coding-DNA position 852, G replaced by A.
Molecular consequence: intron variant.
Genome position (GRCh38, 1-based): chr15:91,006,367, C>T on the plus strand (G>A on the coding strand, the complement: VPS33B is on the minus strand). VCF-style: chr15-91006367-C-T. GRCh37 (hg19) VCF-style: chr15-91549597-C-T.
Other names: c.771+5G>A (NM_001289148.1); c.579+5G>A (NM_001289149.1).
Identifiers: ClinVar variation 4978421 (VCV004978421.1).

ClinVar aggregate classification (germline): Uncertain significance (1 of 4 stars; one submission).

Conditions:
VPS33B-related disorder. Also called: VPS33B-related condition.

gnomAD v4.1: 2 of 1,614,220 alleles (0.00012%); highest among the groups gnomAD compares: Admixed American, 0.0033%; no homozygotes.

Submission:

PreventionGenetics, part of Exact Sciences
Classification: Uncertain significance for VPS33B-related condition. Last evaluated: 2025-08-14. Review status: criteria provided, single submitter. Criteria: ACMG Guidelines, 2015. Collection method: clinical testing. Allele origin: germline.
Comment: The VPS33B c.852+5G>A variant is predicted to interfere with splicing. This variant is predicted to alter splicing based on available splicing prediction software (SpliceAI, Jaganathan et al. 2019. PubMed ID: 30661751). However, the use of computer prediction software is not equivalent to functional evidence. To our knowledge, this variant has not been reported in the literature. This variant is reported in 0.0058% of alleles in individuals of Latino descent in gnomAD. At this time, the clinical significance of this variant is uncertain due to the absence of conclusive functional and genetic evidence.